The following is an entry in ClinVar:

NM_144687.4(NLRP12):c.1547G>A (p.Ser516Asn)

Gene: NLRP12 (NLR family pyrin domain containing 12; minus strand). Cytogenetic location: 19q13.42.
Variant type: single nucleotide variant.
Coding change: c.1547G>A on transcript NM_144687.4 (MANE Select); coding-DNA position 1547, G replaced by A.
Protein change: p.Ser516Asn; replaces serine 516 with asparagine.
Molecular consequence: missense variant.
Genome position (GRCh38, 1-based): chr19:53,810,112, C>T on the plus strand (G>A on the coding strand, the complement: NLRP12 is on the minus strand). VCF-style: chr19-53810112-C-T. GRCh37 (hg19) VCF-style: chr19-54313366-C-T.
Other names: c.1547G>A, p.Ser516Asn (NM_001277126.2, NM_001277129.1); short protein forms S516N.
Identifiers: ClinVar variation 3671450 (VCV003671450.2).

ClinVar aggregate classification (germline): Uncertain significance (1 of 4 stars; one submission).

Conditions:
Familial cold autoinflammatory syndrome 2 (FCAS2). Identifiers: Orphanet 247868, MedGen C2673198, MONDO:0012724, OMIM 611762.

Submission:

Labcorp Genetics (formerly Invitae), Labcorp
Classification: Uncertain significance for Familial cold autoinflammatory syndrome 2. Last evaluated: 2024-07-12. Review status: criteria provided, single submitter. Criteria: Invitae Variant Classification Sherloc (09022015). Collection method: clinical testing. Allele origin: germline.
Comment: This sequence change replaces serine, which is neutral and polar, with asparagine, which is neutral and polar, at codon 516 of the NLRP12 protein (p.Ser516Asn). This variant is not present in population databases (gnomAD no frequency). This variant has not been reported in the literature in individuals affected with NLRP12-related conditions. Advanced modeling of protein sequence and biophysical properties (such as structural, functional, and spatial information, amino acid conservation, physicochemical variation, residue mobility, and thermodynamic stability) has been performed at Invitae for this missense variant, however the output from this modeling did not meet the statistical confidence thresholds required to predict the impact of this variant on NLRP12 protein function. In summary, the available evidence is currently insufficient to determine the role of this variant in disease. Therefore, it has been classified as a Variant of Uncertain Significance.